The following is an entry in ClinVar:

ClinVar aggregate classification (germline): Conflicting classifications of pathogenicity. Review status: criteria provided, conflicting classifications (1 of 4 stars). 3 submissions from 3 submitters: Likely pathogenic (1); Uncertain significance (2). Last evaluated 2024-10-23.

Conditions:
Inborn genetic diseases. Identifiers: MedGen C0950123, MeSH D030342.
Leukodystrophy, hypomyelinating, 6. Also called: TUBB4A-Associated Leukodystrophy; Hypomyelination with Atrophy of Basal Ganglia and Cerebellum (H-ABC); LEUKODYSTROPHY, HYPOMYELINATING, WITH ATROPHY OF THE BASAL GANGLIA AND CEREBELLUM. Identifiers: Orphanet 139441, MedGen C2676244, MONDO:0012905, OMIM 612438.

Submissions (3):

Labcorp Genetics (formerly Invitae), Labcorp
Classification: Uncertain significance for Leukodystrophy, hypomyelinating, 6. Last evaluated: 2024-10-23. Review status: criteria provided, single submitter. Criteria: Invitae Variant Classification Sherloc (09022015). Collection method: clinical testing. Allele origin: germline.
Comment: This sequence change replaces leucine, which is neutral and non-polar, with valine, which is neutral and non-polar, at codon 246 of the TUBB4A protein (p.Leu246Val). This variant is not present in population databases (gnomAD no frequency). This variant has not been reported in the literature in individuals affected with TUBB4A-related conditions. ClinVar contains an entry for this variant (Variation ID: 1503646). Invitae Evidence Modeling of protein sequence and biophysical properties (such as structural, functional, and spatial information, amino acid conservation, physicochemical variation, residue mobility, and thermodynamic stability) indicates that this missense variant is expected to disrupt TUBB4A protein function with a positive predictive value of 80%. In summary, the available evidence is currently insufficient to determine the role of this variant in disease. Therefore, it has been classified as a Variant of Uncertain Significance.

3billion
Classification: Likely pathogenic for Leukodystrophy, hypomyelinating, 6. Last evaluated: 2023-07-06. Review status: criteria provided, single submitter. Criteria: ACMG Guidelines, 2015. Collection method: clinical testing. Allele origin: germline. Affected: yes.
Comment: The variant is not observed in the gnomAD v2.1.1 dataset. Predicted Consequence/Location: Missense changes are a common disease-causing mechanism. In silico tool predictions suggest damaging effect of the variant on gene or gene product (REVEL: 0.79; 3Cnet: 0.76). Different missense changes at the same codon (p.Leu246Met, p.Leu246Pro) have been reported as pathogenic/likely pathogenic with strong evidence (ClinVar ID: VCV001450009, VCV002124806). Therefore, this variant is classified as VUS according to the recommendation of ACMG/AMP guideline.

Ambry Genetics
Classification: Uncertain significance for Inborn genetic diseases. Last evaluated: 2022-12-07. Review status: criteria provided, single submitter. Criteria: Ambry Variant Classification Scheme 2023. Collection method: clinical testing. Allele origin: germline.
Comment: The c.736C>G (p.L246V) alteration is located in exon 4 (coding exon 4) of the TUBB4A gene. This alteration results from a C to G substitution at nucleotide position 736, causing the leucine (L) at amino acid position 246 to be replaced by a valine (V). This variant was not reported in population-based cohorts in the Genome Aggregation Database (gnomAD). This amino acid position is highly conserved in available vertebrate species. This alteration is predicted to be tolerated by in silico analysis. Based on insufficient or conflicting evidence, the clinical significance of this alteration remains unclear.

NM_006087.4(TUBB4A):c.736C>G (p.Leu246Val)

Gene: TUBB4A (tubulin beta 4A class IVa; minus strand). Cytogenetic location: 19p13.3.
Variant type: single nucleotide variant.
Coding change: c.736C>G on transcript NM_006087.4 (MANE Select); coding-DNA position 736, C replaced by G.
Protein change: p.Leu246Val; replaces leucine 246 with valine.
Molecular consequence: missense variant.
Genome position (GRCh38, 1-based): chr19:6,495,763, G>C on the plus strand (C>G on the coding strand, the complement: TUBB4A is on the minus strand). VCF-style: chr19-6495763-G-C. GRCh37 (hg19) VCF-style: chr19-6495774-G-C.
Other names: c.871C>G, p.Leu291Val (NM_001289127.2); c.736C>G, p.Leu246Val (NM_001289129.2); c.520C>G, p.Leu174Val (NM_001289130.2, NM_001289131.2); c.736C>G (NM_006087.2); c.889C>G, p.Leu297Val (NM_001289123.2); short protein forms L246V, L291V, L297V, L174V.
Identifiers: ClinVar variation 1503646 (VCV001503646.8), dbSNP rs2145244734, ClinGen allele CA403591248.